The following is an entry in ClinVar:

NM_001267550.2(TTN):c.80674C>T (p.Gln26892Ter)

Genes: TTN (titin; minus strand), TTN-AS1 (TTN antisense RNA 1; plus strand). Cytogenetic location: 2q31.2.
Variant type: single nucleotide variant.
Coding change: c.80674C>T on transcript NM_001267550.2 (MANE Select); coding-DNA position 80674, C replaced by T.
Protein change: p.Gln26892Ter; replaces glutamine 26892 with a stop codon.
Molecular consequence: nonsense.
Genome position (GRCh38, 1-based): chr2:178,565,458, G>A on the plus strand (C>T on the coding strand, the complement: TTN is on the minus strand). VCF-style: chr2-178565458-G-A. GRCh37 (hg19) VCF-style: chr2-179430185-G-A.
Other names: c.75751C>T, p.Gln25251Ter (NM_001256850.1); c.53479C>T, p.Gln17827Ter (NM_003319.4); c.72970C>T, p.Gln24324Ter (NM_133378.4); c.53854C>T, p.Gln17952Ter (NM_133432.3); c.54055C>T, p.Gln18019Ter (NM_133437.4); short protein forms Q25251*, Q17952*, Q24324*, Q18019*, Q17827*, Q26892*.
Identifiers: ClinVar variation 3975761 (VCV003975761.1).
Genomic context (GRCh38, chr2:178,565,458, plus strand): 5'-AAATGTTAGGTCTTGGTCGGCCTATAACTGGAATTTCTATTTTAAGATCTTCTCCAGCTT[G>A]GATACTATATGTGTTAAATGGTAACTTTAAACTAGGCTGTATAGTCAAGTCCTTGGCTAT-3'

ClinVar aggregate classification (germline): Likely pathogenic (1 of 4 stars; one submission).

Conditions:
Cardiovascular phenotype. Identifiers: MedGen CN230736.

Submission:

Ambry Genetics
Classification: Likely pathogenic for Cardiovascular phenotype. Last evaluated: 2025-04-02. Review status: criteria provided, single submitter. Criteria: Ambry Variant Classification Scheme 2023. Collection method: clinical testing. Allele origin: germline.
Comment: The p.Q17827* variant (also known as c.53479C>T), located in coding exon 153 of the TTN gene, results from a C to T substitution at nucleotide position 53479. This changes the amino acid from a glutamine to a stop codon within coding exon 153. This exon is located in the A-band region of the N2-B isoform of the titin protein and is constitutively expressed in TTN transcripts (percent spliced in or PSI 100%). This variant was reported in individual(s) with features consistent with dilated cardiomyopathy (Ambry internal data). This variant is considered to be rare based on population cohorts in the Genome Aggregation Database (gnomAD). This variant is expected to result in loss of function by premature protein truncation or nonsense-mediated mRNA decay. While truncating variants in TTN are present in 1-3% of the general population, truncating variants in the A-band are the most common cause of dilated cardiomyopathy (Herman DS et al. N. Engl. J. Med., 2012 Feb;366:619-28; Roberts AM et al. Sci Transl Med, 2015 Jan;7:270ra6). TTN truncating variants encoded in constitutive exons (PSI >90%) have been found to be significantly associated with DCM regardless of their position in titin (Schafer S et al. Nat. Genet., 2017 01;49:46-53; Akhtar MM et al. Circ Heart Fail, 2020 Oct;13:e006832; Massier M et al. Clin Genet, 2025 Jan). Based on the majority of available evidence to date, this variant is likely to be pathogenic.